The following is an entry in ClinVar:

NM_001385079.1(PDE10A):c.3116C>T (p.Thr1039Ile)

Gene: PDE10A (phosphodiesterase 10A; minus strand). Cytogenetic location: 6q27.
Variant type: single nucleotide variant.
Coding change: c.3116C>T on transcript NM_001385079.1 (MANE Select); coding-DNA position 3116, C replaced by T.
Protein change: p.Thr1039Ile; replaces threonine 1039 with isoleucine.
Molecular consequence: missense variant.
Genome position (GRCh38, 1-based): chr6:165,333,077, G>A on the plus strand (C>T on the coding strand, the complement: PDE10A is on the minus strand). VCF-style: chr6-165333077-G-A. GRCh37 (hg19) VCF-style: chr6-165746566-G-A.
Other names: c.2318C>T, p.Thr773Ile (NM_001130690.3); c.2288C>T, p.Thr763Ile (NM_006661.4); short protein forms T1039I, T773I, T763I.
Identifiers: ClinVar variation 3664556 (VCV003664556.2).

ClinVar aggregate classification (germline): Uncertain significance (1 of 4 stars; one submission).

Submission:

Labcorp Genetics (formerly Invitae), Labcorp
Classification: Uncertain significance. Last evaluated: 2024-11-05. Review status: criteria provided, single submitter. Criteria: Invitae Variant Classification Sherloc (09022015). Collection method: clinical testing. Allele origin: germline.
Comment: This sequence change replaces threonine, which is neutral and polar, with isoleucine, which is neutral and non-polar, at codon 773 of the PDE10A protein (p.Thr773Ile). This variant is not present in population databases (gnomAD no frequency). This variant has not been reported in the literature in individuals affected with PDE10A-related conditions. An algorithm developed to predict the effect of missense changes on protein structure and function outputs the following: PolyPhen-2: "Benign". The isoleucine amino acid residue is found in multiple mammalian species, which suggests that this missense change does not adversely affect protein function. In summary, the available evidence is currently insufficient to determine the role of this variant in disease. Therefore, it has been classified as a Variant of Uncertain Significance.